The following is an entry in ClinVar:

NM_001164586.2(IGFN1):c.8160G>A (p.Glu2720=)

Gene: IGFN1 (immunoglobulin like and fibronectin type III domain containing 1; plus strand). Cytogenetic location: 1q32.1.
Variant type: single nucleotide variant.
Coding change: c.8160G>A on transcript NM_001164586.2 (MANE Select); coding-DNA position 8160, G replaced by A.
Protein change: p.Glu2720=; no amino-acid change (glutamic acid 2720 retained).
Molecular consequence: synonymous variant. On other transcripts: intron variant (1).
Genome position (GRCh38, 1-based): chr1:201,213,053, G>A. VCF-style: chr1-201213053-G-A. GRCh37 (hg19) VCF-style: chr1-201182181-G-A.
Other names: c.1242-453G>A (NM_001367841.1).
Identifiers: ClinVar variation 2639768 (VCV002639768.24), dbSNP rs539979329, ClinGen allele CA1322917.

ClinVar aggregate classification (germline): Likely benign (1 of 4 stars; one submission).

Allele frequency attached by ClinVar (database versions not stated): TOPMed below 0.00001; gnomAD exomes 0.00001; gnomAD 0.00002; ExAC 0.00005; 1000 Genomes Project 30x 0.00016; 1000 Genomes Project 0.00020.
gnomAD v4.1: 18 of 1,551,616 alleles (0.0012%); highest among the groups gnomAD compares: Middle Eastern, 0.033%; no homozygotes.

Submission:

CeGaT Center for Human Genetics Tuebingen
Classification: Likely benign. Last evaluated: 2022-09-01. Review status: criteria provided, single submitter. Criteria: CeGaT Center For Human Genetics Tuebingen Variant Classification Criteria Version 2. Collection method: clinical testing. Allele origin: germline. Affected: yes. Observed: 1 variant allele.
Comment: IGFN1: BP4, BP7